The following is an entry in ClinVar:

ClinVar aggregate classification (germline): Pathogenic. Review status: criteria provided, multiple submitters, no conflicts (2 of 4 stars). 4 submissions from 4 submitters: Pathogenic (3). 1 of the submissions does not count toward it. Last evaluated 2023-08-02.

Conditions:
Childhood hypophosphatasia. Identifiers: Orphanet 247667, Orphanet 436, MedGen C0220743, MONDO:1010168, OMIM 241510, MONDO:0009428.
Familial X-linked hypophosphatemic vitamin D refractory rickets (XLHRD). Also called: Hypophosphatemia, vitamin D-resistant rickets; Vitamin D-resistant rickets, X-linked; X-Linked Hypophosphatemia; HYPOPHOSPHATEMIC VITAMIN D-RESISTANT RICKETS; Hypophosphatemic Rickets, X-Linked Dominant. Identifiers: Orphanet 89936, MedGen C0733682, MONDO:0010619, OMIM 307800.

Submissions (4):

MVZ Medizinische Genetik Mainz
Classification: Pathogenic for Familial X-linked hypophosphatemic vitamin D refractory rickets. Last evaluated: 2023-08-02. Review status: criteria provided, single submitter. Criteria: UK Practice Guidelines For Variant Classification V4 01 2020. Collection method: clinical testing. Allele origin: germline. Inheritance: X-linked dominant inheritance. Affected: yes. Observed: 1 variant allele.
Comment: ACMG Criteria: PVS1,PS4,PS1_SUP,PS3_SUP,PM2_SUP,PP4

Labcorp Genetics (formerly Invitae), Labcorp
Classification: Pathogenic. Last evaluated: 2023-04-09. Review status: criteria provided, single submitter. Criteria: Invitae Variant Classification Sherloc (09022015). Collection method: clinical testing. Allele origin: germline.
Comment: For these reasons, this variant has been classified as Pathogenic. Algorithms developed to predict the effect of sequence changes on RNA splicing suggest that this variant may disrupt the consensus splice site. ClinVar contains an entry for this variant (Variation ID: 438534). Disruption of this splice site has been observed in individual(s) with hypophosphatemia (PMID: 26051471, 28506344). In at least one individual the variant was observed to be de novo. This variant is not present in population databases (gnomAD no frequency). This sequence change affects a donor splice site in intron 14 of the PHEX gene. It is expected to disrupt RNA splicing. Variants that disrupt the donor or acceptor splice site typically lead to a loss of protein function (PMID: 16199547), and loss-of-function variants in PHEX are known to be pathogenic (PMID: 9097956, 9106524, 19219621).

Institute of Human Genetics Munich, TUM University Hospital
Classification: Pathogenic for Familial X-linked hypophosphatemic vitamin D refractory rickets. Last evaluated: 2013-11-06. Review status: criteria provided, single submitter. Criteria: Classification criteria August 2017. Collection method: clinical testing. Allele origin: germline. Inheritance: X-linked inheritance. Affected: yes. Observed: 1 heterozygote.

Department of Pediatric Endocrinology, Shriners Hospitals for Children - Mexico City
No classification provided. Condition: Childhood hypophosphatasia. Review status: no classification provided. Collection method: phenotyping only. Allele origin: germline. Inheritance: X-linked dominant inheritance. Affected: yes. Observed: 1 variant allele. Not counted in ClinVar's aggregate classification.

Literature cited by the submitters: PubMed 26051471 (cited by Labcorp Genetics (formerly Invitae), Labcorp); PubMed 28506344 (cited by Labcorp Genetics (formerly Invitae), Labcorp); PubMed 16199547 (cited by Labcorp Genetics (formerly Invitae), Labcorp); PubMed 9097956 (cited by Labcorp Genetics (formerly Invitae), Labcorp); PubMed 9106524 (cited by Labcorp Genetics (formerly Invitae), Labcorp); PubMed 19219621 (cited by Labcorp Genetics (formerly Invitae), Labcorp).

NM_000444.6(PHEX):c.1586+1G>A

Gene: PHEX (phosphate regulating endopeptidase X-linked; plus strand). Cytogenetic location: Xp22.11.
Variant type: single nucleotide variant.
Coding change: c.1586+1G>A on transcript NM_000444.6 (MANE Select); the canonical splice donor site of the intron after coding-DNA position 1586, G replaced by A.
Molecular consequence: splice donor variant.
Genome position (GRCh38, 1-based): chrX:22,178,377, G>A. VCF-style: chrX-22178377-G-A. GRCh37 (hg19) VCF-style: chrX-22196494-G-A.
Other names: c.1586+1G>A (NM_001282754.2).
Identifiers: ClinVar variation 438534 (VCV000438534.15), dbSNP rs1064796928, ClinGen allele CA412575008.
Genomic context (GRCh38, chrX:22,178,377, plus strand): 5'-TCGCAAGTATTTAGCACAGTCTGATTTCTTCTGGCTAAGAAAAGCCGTTCCAAAAACAGA[G>A]TGAGTATTAAACAAAAAAAGTTAAATAGATAAATACATTGGTGAGAAGCGGAGTCTCTTT-3'